The following is an entry in ClinVar:

ClinVar aggregate classification (germline): Benign/Likely benign. Review status: criteria provided, multiple submitters, no conflicts (2 of 4 stars). 3 submissions from 3 submitters: Benign (1); Likely benign (2). Last evaluated 2025-02-07.

Conditions:
Hereditary cancer-predisposing syndrome. Also called: Hereditary Cancer Syndrome; Hereditary neoplastic syndrome; Neoplastic Syndromes, Hereditary; Tumor predisposition. Identifiers: Orphanet 140162, MedGen C0027672, MeSH D009386, MONDO:0015356.
POLD1-related polyposis and colorectal cancer syndrome (CRCS10). Also called: Colorectal cancer, susceptibility to, 10; Colorectal cancer 10; COLORECTAL CANCER, SUSCEPTIBILITY TO, ON CHROMOSOME 19q. Identifiers: Orphanet 220460, MedGen C2675481, MONDO:0012953, OMIM 612591.

Submissions (3):

Myriad Genetics, Inc.
Classification: Benign for POLD1-related polyposis and colorectal cancer syndrome. Last evaluated: 2025-02-07. Review status: criteria provided, single submitter. Criteria: Myriad Autosomal Dominant, Autosomal Recessive and X-Linked Classification Criteria (2023). Collection method: clinical testing. Allele origin: unknown.
Comment: This variant is considered benign. This variant is a silent/synonymous amino acid change and it is not expected to impact splicing.

Ambry Genetics
Classification: Likely benign for Hereditary cancer-predisposing syndrome. Last evaluated: 2023-05-05. Review status: criteria provided, single submitter. Criteria: Ambry Variant Classification Scheme 2023. Collection method: clinical testing. Allele origin: germline.

Labcorp Genetics (formerly Invitae), Labcorp
Classification: Likely benign for POLD1-related polyposis and colorectal cancer syndrome. Last evaluated: 2022-09-07. Review status: criteria provided, single submitter. Criteria: Invitae Variant Classification Sherloc (09022015). Collection method: clinical testing. Allele origin: germline.

NM_002691.4(POLD1):c.1641C>G (p.Leu547=)

Gene: POLD1 (DNA polymerase delta 1, catalytic subunit; plus strand). Cytogenetic location: 19q13.33.
Variant type: single nucleotide variant.
Coding change: c.1641C>G on transcript NM_002691.4 (MANE Select); coding-DNA position 1641, C replaced by G.
Protein change: p.Leu547=; no amino-acid change (leucine 547 retained).
Molecular consequence: synonymous variant. On other transcripts: non-coding transcript variant (1).
Genome position (GRCh38, 1-based): chr19:50,407,129, C>G. VCF-style: chr19-50407129-C-G. GRCh37 (hg19) VCF-style: chr19-50910386-C-G.
Other names: c.1641C>G, p.Leu547= (NM_001256849.1, NM_001308632.1); c.1641C>G (NM_002691.2).
Identifiers: ClinVar variation 754859 (VCV000754859.13), dbSNP rs770573148, ClinGen allele CA508184056.